The following is an entry in ClinVar:

NM_016507.4(CDK12):c.2285A>G (p.Asn762Ser)

Gene: CDK12 (cyclin dependent kinase 12; plus strand). Cytogenetic location: 17q12.
Variant type: single nucleotide variant.
Coding change: c.2285A>G on transcript NM_016507.4 (MANE Select); coding-DNA position 2285, A replaced by G.
Protein change: p.Asn762Ser; replaces asparagine 762 with serine.
Molecular consequence: missense variant.
Genome position (GRCh38, 1-based): chr17:39,494,560, A>G. VCF-style: chr17-39494560-A-G. GRCh37 (hg19) VCF-style: chr17-37650813-A-G.
Other names: c.2285A>G, p.Asn762Ser (NM_015083.4); short protein forms N762S.
Identifiers: ClinVar variation 3830607 (VCV003830607.1).
Genomic context (GRCh38, chr17:39,494,560, plus strand): 5'-AACAGTTTACATTTGTTTTGGCAGGAGAACTAGTGGCTCTGAAGAAGGTGAGACTAGACA[A>G]TGAGAAAGAGGGCTTCCCAATCACAGCCATTCGTGAAATCAAAATCCTTCGTCAGTTAAT-3'
Protein context (NP_057591.2, residues 752-772): LVALKKVRLD[Asn762Ser]EKEGFPITAI

ClinVar aggregate classification (germline): Uncertain significance (1 of 4 stars; one submission).

gnomAD v4.1: 4 of 1,614,110 alleles (0.00025%); highest among the groups gnomAD compares: East Asian, 0.0022%; no homozygotes.

Submission:

Ambry Genetics
Classification: Uncertain significance. Last evaluated: 2025-02-04. Review status: criteria provided, single submitter. Criteria: Ambry Variant Classification Scheme 2023. Collection method: clinical testing. Allele origin: germline.
Comment: The p.N762S variant (also known as c.2285A>G), located in coding exon 5 of the CDK12 gene, results from an A to G substitution at nucleotide position 2285. The asparagine at codon 762 is replaced by serine, an amino acid with highly similar properties. This amino acid position is conserved. In addition, this alteration is predicted to be tolerated by in silico analysis. Based on the available evidence, the clinical significance of this variant remains unclear.